The following is an entry in ClinVar:

ClinVar aggregate classification (germline): Uncertain significance. Review status: criteria provided, multiple submitters, no conflicts (2 of 4 stars). 2 submissions from 2 submitters: Uncertain significance (2). Last evaluated 2019-10-28.

Submissions (2):

Labcorp Genetics (formerly Invitae), Labcorp
Classification: Uncertain significance. Last evaluated: 2019-10-28. Review status: criteria provided, single submitter. Criteria: Invitae Variant Classification Sherloc (09022015). Collection method: clinical testing. Allele origin: germline.
Comment: In summary, the available evidence is currently insufficient to determine the role of this variant in disease. Therefore, it has been classified as a Variant of Uncertain Significance. Algorithms developed to predict the effect of missense changes on protein structure and function are either unavailable or do not agree on the potential impact of this missense change (SIFT: "Deleterious"; PolyPhen-2: "Benign"; Align-GVGD: "Class C0"). This variant has not been reported in the literature in individuals with CACNA2D4-related conditions. ClinVar contains an entry for this variant (Variation ID: 426595). This variant is not present in population databases (ExAC no frequency). This sequence change replaces valine with glutamic acid at codon 840 of the CACNA2D4 protein (p.Val840Glu). The valine residue is moderately conserved and there is a moderate physicochemical difference between valine and glutamic acid.

GeneDx
Classification: Uncertain significance. Last evaluated: 2017-04-11. Review status: criteria provided, single submitter. Criteria: GeneDx Variant Classification (06012015). Collection method: clinical testing. Allele origin: germline. Affected: yes.
Comment: The V840E variant in the CACNA2D4 gene has not been reported previously as a pathogenic variant, nor as a benign variant, to our knowledge. The V840E variant is not observed in large population cohorts (Lek et al., 2016; 1000 Genomes Consortium et al., 2015; Exome Variant Server). The V840E variant is a non-conservative amino acid substitution, which is likely to impact secondary protein structure as these residues differ in polarity, charge, size and/or other properties. This substitution occurs at a position where amino acids with similar properties to Valine are tolerated across species. In silico analysis predicts this variant is probably damaging to the protein structure/function. We interpret V840E as a variant of uncertain significance.

NM_172364.5(CACNA2D4):c.2519T>A (p.Val840Glu)

Gene: CACNA2D4 (calcium voltage-gated channel auxiliary subunit alpha2delta 4; minus strand). Cytogenetic location: 12p13.33.
Variant type: single nucleotide variant.
Coding change: c.2519T>A on transcript NM_172364.5 (MANE Select); coding-DNA position 2519, T replaced by A.
Protein change: p.Val840Glu; replaces valine 840 with glutamic acid.
Molecular consequence: missense variant.
Genome position (GRCh38, 1-based): chr12:1,840,771, A>T on the plus strand (T>A on the coding strand, the complement: CACNA2D4 is on the minus strand). VCF-style: chr12-1840771-A-T. GRCh37 (hg19) VCF-style: chr12-1949937-A-T.
Other names: short protein forms V840E.
Identifiers: ClinVar variation 426595 (VCV000426595.11), dbSNP rs1085307701, ClinGen allele CA383357167.